The following is an entry in ClinVar:

NM_016417.3(GLRX5):c.407A>G (p.Glu136Gly)

Gene: GLRX5 (glutaredoxin 5; plus strand). Cytogenetic location: 14q32.13.
Variant type: single nucleotide variant.
Coding change: c.407A>G on transcript NM_016417.3 (MANE Select); coding-DNA position 407, A replaced by G.
Protein change: p.Glu136Gly; replaces glutamic acid 136 with glycine.
Molecular consequence: missense variant.
Genome position (GRCh38, 1-based): chr14:95,544,058, A>G. VCF-style: chr14-95544058-A-G. GRCh37 (hg19) VCF-style: chr14-96010395-A-G.
Other names: short protein forms E136G.
Identifiers: ClinVar variation 3365942 (VCV003365942.1).
Genomic context (GRCh38, chr14:95,544,058, plus strand): 5'-GCGAGTTTGTAGGGGGCTGTGACATTCTTCTGCAGATGCACCAGAATGGGGACTTGGTGG[A>G]AGAACTGAAAAAGCTGGGGATCCACTCCGCCCTTTTAGATGAAAAGAAAGACCAAGACTC-3'
Protein context (NP_057501.2, residues 126-146): LQMHQNGDLV[Glu136Gly]ELKKLGIHSA

ClinVar aggregate classification (germline): Uncertain significance (1 of 4 stars; one submission).

Submission:

GeneDx
Classification: Uncertain significance. Last evaluated: 2023-12-21. Review status: criteria provided, single submitter. Criteria: GeneDx Variant Classification Process June 2021. Collection method: clinical testing. Allele origin: germline. Affected: yes.
Comment: Not observed at significant frequency in large population cohorts (gnomAD); In silico analysis supports that this missense variant has a deleterious effect on protein structure/function; Has not been previously published as pathogenic or benign to our knowledge